The following is an entry in ClinVar:

ClinVar aggregate classification (germline): Uncertain significance. Review status: criteria provided, multiple submitters, no conflicts (2 of 4 stars). 4 submissions from 4 submitters: Uncertain significance (4). Last evaluated 2025-07-31.

Conditions:
Hearing loss, autosomal recessive 57. Also called: DEAFNESS, AUTOSOMAL RECESSIVE 57. Identifiers: MedGen C4693893, MONDO:0033201, OMIM 618003.
Usher syndrome type 2C. Also called: Usher syndrome, type 2B; USHER SYNDROME, TYPE IIC. Identifiers: Orphanet 231178, Orphanet 886, MedGen C2931213, MONDO:0011558, OMIM 605472.
Usher syndrome type 2A. Also called: RETINAL DISEASE IN USHER SYNDROME TYPE IIA, MODIFIER OF; USHER SYNDROME, TYPE IIA. Identifiers: Orphanet 231178, Orphanet 886, MedGen C1848634, MONDO:0010169, OMIM 276901.
Inborn genetic diseases. Identifiers: MedGen C0950123, MeSH D030342.

Allele frequency attached by ClinVar (database versions not stated): gnomAD exomes 0.00001 and 0.00003; TOPMed 0.00001; ExAC 0.00001.
gnomAD v4.1: 8 of 1,614,278 alleles (0.0005%); highest among the groups gnomAD compares: Admixed American, 0.013%; no homozygotes.

Submissions (4):

Ambry Genetics
Classification: Uncertain significance for Inborn genetic diseases. Last evaluated: 2025-07-31. Review status: criteria provided, single submitter. Criteria: Ambry Variant Classification Scheme 2023. Collection method: clinical testing. Allele origin: germline.

GeneDx
Classification: Uncertain significance. Last evaluated: 2023-11-04. Review status: criteria provided, single submitter. Criteria: GeneDx Variant Classification Process June 2021. Collection method: clinical testing. Allele origin: germline. Affected: yes.
Comment: In silico analysis supports that this missense variant does not alter protein structure/function; Has not been previously published as pathogenic or benign to our knowledge

Labcorp Genetics (formerly Invitae), Labcorp
Classification: Uncertain significance. Last evaluated: 2022-09-01. Review status: criteria provided, single submitter. Criteria: Invitae Variant Classification Sherloc (09022015). Collection method: clinical testing. Allele origin: germline.
Comment: This sequence change replaces serine, which is neutral and polar, with leucine, which is neutral and non-polar, at codon 86 of the PDZD7 protein (p.Ser86Leu). This variant is present in population databases (rs761666704, gnomAD 0.02%). This variant has not been reported in the literature in individuals affected with PDZD7-related conditions. ClinVar contains an entry for this variant (Variation ID: 1481635). Algorithms developed to predict the effect of missense changes on protein structure and function are either unavailable or do not agree on the potential impact of this missense change (SIFT: "Deleterious"; PolyPhen-2: "Not Available"; Align-GVGD: "Class C0"). In summary, the available evidence is currently insufficient to determine the role of this variant in disease. Therefore, it has been classified as a Variant of Uncertain Significance.

Fulgent Genetics
Classification: Uncertain significance for Usher syndrome type 2A; Usher syndrome type 2C; Hearing loss, autosomal recessive 57. Last evaluated: 2021-07-28. Review status: criteria provided, single submitter. Criteria: ACMG Guidelines, 2015. Collection method: clinical testing. Allele origin: unknown.

NM_001195263.2(PDZD7):c.257C>T (p.Ser86Leu)

Gene: PDZD7 (PDZ domain containing 7; minus strand). Cytogenetic location: 10q24.31.
Variant type: single nucleotide variant.
Coding change: c.257C>T on transcript NM_001195263.2 (MANE Select); coding-DNA position 257, C replaced by T.
Protein change: p.Ser86Leu; replaces serine 86 with leucine.
Molecular consequence: missense variant.
Genome position (GRCh38, 1-based): chr10:101,024,038, G>A on the plus strand (C>T on the coding strand, the complement: PDZD7 is on the minus strand). VCF-style: chr10-101024038-G-A. GRCh37 (hg19) VCF-style: chr10-102783795-G-A.
Other names: c.257C>T (NM_001195263.1); c.257C>T, p.Ser86Leu (NM_001351044.2, NM_024895.5); short protein forms S86L.
Identifiers: ClinVar variation 1481635 (VCV001481635.6), dbSNP rs761666704, ClinGen allele CA5654464.
Genomic context (GRCh38, chr10:101,024,038, plus strand): 5'-TCTGAGCCCCCGCGCACGCTGAAGCCCAGCCTCCCTGCTGGACTCTTCTCCACCCGGACT[G>A]AATGGATGATGTCACTTTCATCACTGTTGGCTGTGAGGACAGGGATTTAGGGATGCCCCC-3'
Protein context (NP_001182192.1, residues 76-96): ANSDESDIIH[Ser86Leu]VRVEKSPAGR